The following is an entry in ClinVar:

ClinVar aggregate classification (germline): Uncertain significance. Review status: criteria provided, multiple submitters, no conflicts (2 of 4 stars). 5 submissions from 5 submitters: Uncertain significance (5). Last evaluated 2025-02-13.

Conditions:
Autosomal dominant familial hematuria-retinal arteriolar tortuosity-contractures syndrome. Also called: Hereditary Angiopathy with Nephropathy, Aneurysms, and Muscle Cramps (HANAC) Syndrome; Angiopathy, hereditary, with nephropathy, aneurysms, and muscle cramps. Identifiers: Orphanet 73229, MedGen C2673195, MONDO:0012726, OMIM 611773.
Hemorrhage, intracerebral, susceptibility to (ICH). Also called: Stroke, hemorrhagic, susceptibility to. Identifiers: MedGen C3281105, MONDO:0100533, OMIM 614519.
Retinal arterial tortuosity. Also called: RETINAL HEMORRHAGE WITH VASCULAR TORTUOSITY; Retinal arteries, tortuosity of. Identifiers: Orphanet 75326, MedGen C0423401, MONDO:0008373, OMIM 180000, HP:0000631.
Brain small vessel disease 1 with or without ocular anomalies (BSVD1). Also called: Brain small vessel disease with or without ocular anomalies; PORENCEPHALY, TYPE 1, AUTOSOMAL DOMINANT; BRAIN SMALL VESSEL DISEASE WITH HEMORRHAGE; GOULD SYNDROME 1. Identifiers: Orphanet 2940, Orphanet 36383, Orphanet 99810, MedGen C4755307, MONDO:0008289, OMIM 175780.
Microangiopathy and leukoencephalopathy, pontine, autosomal dominant. Also called: DEMENTIA, HEREDITARY MULTI-INFARCT, SWEDISH TYPE; Pontine autosomal dominant microangiopathy with leukoencephalopathy. Identifiers: Orphanet 477749, MedGen C5231411, MONDO:0032814, OMIM 618564.
Inborn genetic diseases. Identifiers: MedGen C0950123, MeSH D030342.

Allele frequency attached by ClinVar (database versions not stated): gnomAD exomes below 0.00001 and 0.00001; ExAC 0.00001; gnomAD 0.00001 and 0.00003.
gnomAD v4.1: 14 of 1,613,144 alleles (0.00087%); highest among the groups gnomAD compares: African/African-American, 0.0013%; no homozygotes.

Submissions (5):

Labcorp Genetics (formerly Invitae), Labcorp
Classification: Uncertain significance. Last evaluated: 2025-02-13. Review status: criteria provided, single submitter. Criteria: Invitae Variant Classification Sherloc (09022015). Collection method: clinical testing. Allele origin: germline.
Comment: This sequence change replaces proline, which is neutral and non-polar, with alanine, which is neutral and non-polar, at codon 629 of the COL4A1 protein (p.Pro629Ala). This variant is present in population databases (rs769408707, gnomAD 0.0009%). This variant has not been reported in the literature in individuals affected with COL4A1-related conditions. ClinVar contains an entry for this variant (Variation ID: 1401342). Invitae Evidence Modeling of protein sequence and biophysical properties (such as structural, functional, and spatial information, amino acid conservation, physicochemical variation, residue mobility, and thermodynamic stability) indicates that this missense variant is not expected to disrupt COL4A1 protein function with a negative predictive value of 95%. In summary, the available evidence is currently insufficient to determine the role of this variant in disease. Therefore, it has been classified as a Variant of Uncertain Significance.

Ambry Genetics
Classification: Uncertain significance for Inborn genetic diseases. Last evaluated: 2024-10-11. Review status: criteria provided, single submitter. Criteria: Ambry Variant Classification Scheme 2023. Collection method: clinical testing. Allele origin: germline.

CeGaT Center for Human Genetics Tuebingen
Classification: Uncertain significance. Last evaluated: 2023-12-01. Review status: criteria provided, single submitter. Criteria: CeGaT Center For Human Genetics Tuebingen Variant Classification Criteria Version 2. Collection method: clinical testing. Allele origin: germline. Affected: yes. Observed: 1 variant allele.

Fulgent Genetics
Classification: Uncertain significance for Brain small vessel disease 1 with or without ocular anomalies; Retinal arterial tortuosity; Autosomal dominant familial hematuria-retinal arteriolar tortuosity-contractures syndrome; Hemorrhage, intracerebral, susceptibility to; Microangiopathy and leukoencephalopathy, pontine, autosomal dominant. Last evaluated: 2022-04-29. Review status: criteria provided, single submitter. Criteria: ACMG Guidelines, 2015. Collection method: clinical testing. Allele origin: unknown.

Revvity Omics, Revvity
Classification: Uncertain significance. Last evaluated: 2019-02-21. Review status: criteria provided, single submitter. Criteria: ACMG Guidelines, 2015. Collection method: clinical testing. Allele origin: germline.

NM_001845.6(COL4A1):c.1885C>G (p.Pro629Ala)

Gene: COL4A1 (collagen type IV alpha 1 chain; minus strand). Cytogenetic location: 13q34.
Variant type: single nucleotide variant.
Coding change: c.1885C>G on transcript NM_001845.6 (MANE Select); coding-DNA position 1885, C replaced by G.
Protein change: p.Pro629Ala; replaces proline 629 with alanine.
Molecular consequence: missense variant.
Genome position (GRCh38, 1-based): chr13:110,186,397, G>C on the plus strand (C>G on the coding strand, the complement: COL4A1 is on the minus strand). VCF-style: chr13-110186397-G-C. GRCh37 (hg19) VCF-style: chr13-110838744-G-C.
Other names: c.1885C>G (NM_001845.4); short protein forms P629A.
Identifiers: ClinVar variation 1401342 (VCV001401342.32), dbSNP rs769408707, ClinGen allele CA7047807.
Genomic context (GRCh38, chr13:110,186,397, plus strand): 5'-ACCTCCGTTTACAACTTCATGCTGCATCACGAGTTTCTCAGGCCTCACCTGGCAGGCCTG[G>C]GGATCCAGGGCCTCCAGGAAAGCCTGCTTGTCCTTTGTCACCAATGGGACCAGCAGGACC-3'
Protein context (NP_001836.3, residues 619-639): QAGFPGGPGS[Pro629Ala]GLPGPKGEPG